The following is an entry in ClinVar:

NM_000108.5(DLD):c.787C>T (p.Arg263Cys)

Gene: DLD (dihydrolipoamide dehydrogenase; plus strand). Cytogenetic location: 7q31.1.
Variant type: single nucleotide variant.
Coding change: c.787C>T on transcript NM_000108.5 (MANE Select); coding-DNA position 787, C replaced by T.
Protein change: p.Arg263Cys; replaces arginine 263 with cysteine.
Molecular consequence: missense variant.
Genome position (GRCh38, 1-based): chr7:107,915,608, C>T. VCF-style: chr7-107915608-C-T. GRCh37 (hg19) VCF-style: chr7-107556053-C-T.
Other names: c.490C>T, p.Arg164Cys (NM_001289750.1); c.718C>T, p.Arg240Cys (NM_001289751.1); c.643C>T, p.Arg215Cys (NM_001289752.1); short protein forms R240C, R164C, R215C, R263C.
Identifiers: ClinVar variation 2152961 (VCV002152961.1), dbSNP rs769218101, ClinGen allele CA4434559.

ClinVar aggregate classification (germline): Uncertain significance (1 of 4 stars; one submission).

Conditions:
Pyruvate dehydrogenase E3 deficiency (DLDD). Also called: Dihydrolipoamide Dehydrogenase Deficiency; MAPLE SYRUP URINE DISEASE, TYPE III; DLD DEFICIENCY; E3 DEFICIENCY; Dihydrolipoamide Dehydrogenase (E3) Deficiency; Dihydrolipoamide Dehydrogenase E3 Deficiency. Identifiers: Orphanet 2394, Orphanet 765, MedGen C5574660, MONDO:0009529, OMIM 246900.

Allele frequency attached by ClinVar (database versions not stated): gnomAD exomes 0.00002; ExAC 0.00005.

Submission:

Labcorp Genetics (formerly Invitae), Labcorp
Classification: Uncertain significance for Pyruvate dehydrogenase E3 deficiency. Last evaluated: 2021-09-30. Review status: criteria provided, single submitter. Criteria: Invitae Variant Classification Sherloc (09022015). Collection method: clinical testing. Allele origin: germline.
Comment: This sequence change replaces arginine with cysteine at codon 263 of the DLD protein (p.Arg263Cys). The arginine residue is highly conserved and there is a large physicochemical difference between arginine and cysteine. This variant is present in population databases (rs769218101, ExAC 0.05%). This variant has not been reported in the literature in individuals affected with DLD-related conditions. Algorithms developed to predict the effect of missense changes on protein structure and function (SIFT, PolyPhen-2, Align-GVGD) all suggest that this variant is likely to be disruptive. In summary, the available evidence is currently insufficient to determine the role of this variant in disease. Therefore, it has been classified as a Variant of Uncertain Significance.